The following is an entry in ClinVar:

ClinVar aggregate classification (germline): Uncertain significance (1 of 4 stars; one submission).

Conditions:
Hereditary breast ovarian cancer syndrome. Also called: Hereditary breast and ovarian cancer syndrome (HBOC); Hereditary breast and ovarian cancer; Breast and ovarian cancer; Hereditary breast and/or ovarian cancer syndrome; BRCA1- and BRCA2-Associated Hereditary Breast and Ovarian Cancer; Hereditary breast and ovarian cancer syndrome. Identifiers: Orphanet 145, MedGen C0677776, MeSH D061325, MONDO:0003582. Disease mechanism: loss of function.

Submission:

Labcorp Genetics (formerly Invitae), Labcorp
Classification: Uncertain significance for Hereditary breast ovarian cancer syndrome. Last evaluated: 2026-01-23. Review status: criteria provided, single submitter. Criteria: Invitae Variant Classification Sherloc (09022015). Collection method: clinical testing. Allele origin: germline.
Comment: This sequence change replaces lysine, which is basic and polar, with arginine, which is basic and polar, at codon 1095 of the BRCA1 protein (p.Lys1095Arg). This variant is not present in population databases (gnomAD no frequency). This variant has not been reported in the literature in individuals affected with BRCA1-related conditions. Invitae Evidence Modeling of protein sequence and biophysical properties (such as structural, functional, and spatial information, amino acid conservation, physicochemical variation, residue mobility, and thermodynamic stability) indicates that this missense variant is not expected to disrupt BRCA1 protein function with a negative predictive value of 80%. In summary, the available evidence is currently insufficient to determine the role of this variant in disease. Therefore, it has been classified as a Variant of Uncertain Significance.

NM_007294.4(BRCA1):c.3284A>G (p.Lys1095Arg)

Genes: BRCA1 (BRCA1 DNA repair associated; minus strand), LOC126862571 (BRD4-independent group 4 enhancer GRCh37_chr17:41243136-41244335; plus strand). Cytogenetic location: 17q21.31.
Variant type: single nucleotide variant.
Coding change: c.3284A>G on transcript NM_007294.4 (MANE Select); coding-DNA position 3284, A replaced by G.
Protein change: p.Lys1095Arg; replaces lysine 1095 with arginine.
Molecular consequence: missense variant. On other transcripts: intron variant (137).
Genome position (GRCh38, 1-based): chr17:43,092,247, T>C on the plus strand (A>G on the coding strand, the complement: BRCA1 is on the minus strand). VCF-style: chr17-43092247-T-C. GRCh37 (hg19) VCF-style: chr17-41244264-T-C.
Other names: c.3140A>G, p.Lys1047Arg (NM_001407741.1, NM_001407742.1, NM_001407743.1 and 20 more transcripts); c.521-1215A>G (NM_001408504.1, NM_001408503.1, NM_001408505.1); c.644-1215A>G (NM_001408463.1, NM_001408465.1, NM_001408462.1 and 3 more transcripts); c.524-1215A>G (NM_001408499.1, NM_001408498.1, NM_001408501.1 and 3 more transcripts); c.671-1215A>G (NM_001408422.1, NM_001408418.1, NM_001408423.1 and 2 more transcripts); c.707-1215A>G (NM_001408416.1, NM_001408413.1); c.578-1215A>G (NM_001408484.1, NM_001408478.1, NM_001408482.1 and 9 more transcripts); c.662-1215A>G (NM_001408450.1, NM_001408434.1, NM_001408447.1 and 6 more transcripts); and 41 more; short protein forms K1006R, K1007R, K1024R, K1025R, K1027R, K1028R, K1047R, K1048R.
Identifiers: ClinVar variation 4800840 (VCV004800840.1).
Genomic context (GRCh38, chr17:43,092,247, plus strand): 5'-TCTTCATATTCTTGCTTTTTTATTTCAGGATGCTTACAATTACTTCCAGGAAGACTTTGT[T>C]TATAGACCTCAGGTTGCAAAACCCCTAATCTAAGCATAGCATTCAATTTTGGCCCTCTGT-3'
Protein context (NP_009225.1, residues 1085-1105): RLGVLQPEVY[Lys1095Arg]QSLPGSNCKH